The following is an entry in ClinVar:

ClinVar aggregate classification (germline): Uncertain significance (1 of 4 stars; one submission).

Submission:

Labcorp Genetics (formerly Invitae), Labcorp
Classification: Uncertain significance. Last evaluated: 2021-04-21. Review status: criteria provided, single submitter. Criteria: Invitae Variant Classification Sherloc (09022015). Collection method: clinical testing. Allele origin: germline.
Comment: This sequence change replaces serine with proline at codon 445 of the MSH3 protein (p.Ser445Pro). The serine residue is weakly conserved and there is a moderate physicochemical difference between serine and proline. In summary, the available evidence is currently insufficient to determine the role of this variant in disease. Therefore, it has been classified as a Variant of Uncertain Significance. Algorithms developed to predict the effect of missense changes on protein structure and function are either unavailable or do not agree on the potential impact of this missense change (SIFT: "Tolerated"; PolyPhen-2: "Possibly Damaging"; Align-GVGD: "Class C0"). This variant has not been reported in the literature in individuals with MSH3-related conditions. This variant is not present in population databases (ExAC no frequency).

NM_002439.5(MSH3):c.1333T>C (p.Ser445Pro)

Gene: MSH3 (mutS homolog 3; plus strand). Cytogenetic location: 5q14.1.
Variant type: single nucleotide variant.
Coding change: c.1333T>C on transcript NM_002439.5 (MANE Select); coding-DNA position 1333, T replaced by C.
Protein change: p.Ser445Pro; replaces serine 445 with proline.
Molecular consequence: missense variant.
Genome position (GRCh38, 1-based): chr5:80,679,086, T>C. VCF-style: chr5-80679086-T-C. GRCh37 (hg19) VCF-style: chr5-79974905-T-C.
Other names: short protein forms S445P.
Identifiers: ClinVar variation 1361822 (VCV001361822.8), dbSNP rs2112819228, ClinGen allele CA360269140.
Genomic context (GRCh38, chr5:80,679,086, plus strand): 5'-GAGCTGCTGCTTCCTTCGGCCTTGTCCGAGCAAACAGAGGCGCTCATCCACAGAGCCACA[T>C]CTGTTAGGTAAGTTGGCACATCACTGGAATATAATACCGATTCTGAAACTTAGGTTTAGT-3'
Protein context (NP_002430.3, residues 435-455): QTEALIHRAT[Ser445Pro]VSVQDDRIRV